The following is an entry in ClinVar:

ClinVar aggregate classification (germline): Uncertain significance (1 of 4 stars; one submission).

Conditions:
Muscular dystrophy-dystroglycanopathy (congenital with impaired intellectual development), type B, 2. Also called: Muscular dystrophy-dystroglycanopathy (congenital with intellectual disability), type B2; MUSCULAR DYSTROPHY, CONGENITAL, POMT2-RELATED. Identifiers: MedGen C3150416, MONDO:0013160, OMIM 613156.
Autosomal recessive limb-girdle muscular dystrophy type 2N. Also called: MUSCULAR DYSTROPHY-DYSTROGLYCANOPATHY, LIMB-GIRDLE, POMT2-RELATED; Muscular dystrophy-dystroglycanopathy (limb-girdle), type C, 2. Identifiers: Orphanet 206559, MedGen C3150418, MONDO:0013162, OMIM 613158.
Muscular dystrophy-dystroglycanopathy (congenital with brain and eye anomalies), type A2. Also called: MUSCULAR DYSTROPHY-DYSTROGLYCANOPATHY (CONGENITAL WITH BRAIN AND EYE ANOMALIES), TYPE A, 2; WALKER-WARBURG SYNDROME OR MUSCLE-EYE-BRAIN DISEASE, POMT2-RELATED. Identifiers: Orphanet 588, Orphanet 899, MedGen C3150411, MONDO:0013154, OMIM 613150.

Allele frequency attached by ClinVar (database versions not stated): gnomAD exomes 0.00004 and 0.00002; ExAC 0.00005; gnomAD 0.00001; TOPMed 0.00001.
gnomAD v4.1: 11 of 1,601,480 alleles (0.00069%); highest among the groups gnomAD compares: Admixed American, 0.019%; no homozygotes.

Submission:

Labcorp Genetics (formerly Invitae), Labcorp
Classification: Uncertain significance for Muscular dystrophy-dystroglycanopathy (congenital with impaired intellectual development), type B, 2; Muscular dystrophy-dystroglycanopathy (congenital with brain and eye anomalies), type A2; Autosomal recessive limb-girdle muscular dystrophy type 2N. Last evaluated: 2024-02-24. Review status: criteria provided, single submitter. Criteria: Invitae Variant Classification Sherloc (09022015). Collection method: clinical testing. Allele origin: germline.
Comment: This sequence change replaces threonine, which is neutral and polar, with isoleucine, which is neutral and non-polar, at codon 162 of the POMT2 protein (p.Thr162Ile). This variant is present in population databases (rs753521608, gnomAD 0.03%). This variant has not been reported in the literature in individuals affected with POMT2-related conditions. ClinVar contains an entry for this variant (Variation ID: 1504933). Advanced modeling of protein sequence and biophysical properties (such as structural, functional, and spatial information, amino acid conservation, physicochemical variation, residue mobility, and thermodynamic stability) performed at Invitae indicates that this missense variant is not expected to disrupt POMT2 protein function with a negative predictive value of 95%. In summary, the available evidence is currently insufficient to determine the role of this variant in disease. Therefore, it has been classified as a Variant of Uncertain Significance.

NM_013382.7(POMT2):c.485C>T (p.Thr162Ile)

Gene: POMT2 (protein O-mannosyltransferase 2; minus strand). Cytogenetic location: 14q24.3.
Variant type: single nucleotide variant.
Coding change: c.485C>T on transcript NM_013382.7 (MANE Select); coding-DNA position 485, C replaced by T.
Protein change: p.Thr162Ile; replaces threonine 162 with isoleucine.
Molecular consequence: missense variant.
Genome position (GRCh38, 1-based): chr14:77,304,754, G>A on the plus strand (C>T on the coding strand, the complement: POMT2 is on the minus strand). VCF-style: chr14-77304754-G-A. GRCh37 (hg19) VCF-style: chr14-77771097-G-A.
Other names: short protein forms T162I.
Identifiers: ClinVar variation 1504933 (VCV001504933.4), dbSNP rs753521608, ClinGen allele CA7286189.
Genomic context (GRCh38, chr14:77,304,754, plus strand): 5'-AAGGTGAGGAGGGCAGCTGTGAGCAGTGCTGCCGAGAGGGACTTGGACAGATCCAGTACA[G>A]TGAGGTAGGCAAAGGGGACCAGCCAGGAGCCAAGGAATGCACAGAACTGTGGGAGGAATA-3'
Protein context (NP_037514.2, residues 152-172): GSWLVPFAYL[Thr162Ile]VLDLSKSLSA